The following is an entry in ClinVar:

GRCh37/hg19 8p23.3-23.1(chr8:158048-6999114)x1

Genes: AGPAT5 (1-acylglycerol-3-phosphate O-acyltransferase 5; plus strand), ANGPT2 (angiopoietin 2; minus strand), ARHGEF10 (Rho guanine nucleotide exchange factor 10; plus strand), DEFA4 (defensin alpha 4; minus strand), CLN8 (CLN8 transmembrane ER and ERGIC protein; plus strand) and 16 more. Cytogenetic location: 8p23.3-23.1.
Variant type: copy number loss.
Change: copy number 1 (one copy instead of two) of chr8:158,048-6,999,114 (6.84 Mb, GRCh37 coordinates, 1-based), cytogenetic band 8p23.3-23.1.
Identifiers: ClinVar variation 563543 (VCV000563543.2).

ClinVar aggregate classification (germline): Pathogenic (1 of 4 stars; one submission).

Submission:

Quest Diagnostics Nichols Institute San Juan Capistrano
Classification: Pathogenic. Last evaluated: 2023-11-27. Review status: criteria provided, single submitter. Criteria: ACMG/ClinGen CNV Guidelines, 2019. Collection method: clinical testing. Allele origin: unknown.
Comment: This loss involves multiple protein-coding genes. Individuals with comparable or smaller deletions of this region have been reported with various phenotypes (Burnside 2013, Chien 2010, Firth 2009, Kessi 2018, Krumm 2015, Shi 2017). DLGAP2, CLN8, ARHGEF10, and CSMD1 have been proposed as candidate genes for the phenotypes observed (Shi 2017). There are no similar copy number losses of this region in the general populations of the Database of Genomic Variants. Thus, this copy number variant (CNV) is classified as pathogenic. References: Burnside et al., Am J Med Genet A. 2013 Apr;161A(4):822-8. PMID: 23495222; Chien et al., Clin Genet. 2010 Nov;78(5):449-56. PMID: 20236125; Firth et al., 2009. Am.J.Hum.Genet 84, 524-533. PMID: 19344873; Kessi et al., Front Neurol. 2018 Nov 19:9:947. PMID: 30510536; Krumm et al., Nat Genet. 2015 Jun;47(6):582-8. PMID: 25961944; Shi et al., Mol Med Rep. 2017 Nov;16(5):6837-6845. PMID: 28901431